The following is an entry in ClinVar:

ClinVar aggregate classification (germline): Uncertain significance. Review status: criteria provided, multiple submitters, no conflicts (2 of 4 stars). 3 submissions from 3 submitters: Uncertain significance (3). Last evaluated 2025-12-11.

Conditions:
Inborn genetic diseases. Identifiers: MedGen C0950123, MeSH D030342.

Allele frequency attached by ClinVar (database versions not stated): gnomAD 0.00016; gnomAD exomes 0.00020; ESP Exome Variant Server 0.00008; ExAC 0.00011; TOPMed 0.00015.
gnomAD v4.1: 313 of 1,613,472 alleles (0.019%); highest among the groups gnomAD compares: Admixed American, 0.037%; no homozygotes.

Submissions (3):

Labcorp Genetics (formerly Invitae), Labcorp
Classification: Uncertain significance. Last evaluated: 2025-12-11. Review status: criteria provided, single submitter. Criteria: Invitae Variant Classification Sherloc (09022015). Collection method: clinical testing. Allele origin: germline.
Comment: This sequence change replaces alanine, which is neutral and non-polar, with valine, which is neutral and non-polar, at codon 78 of the KCNN4 protein (p.Ala78Val). This variant is present in population databases (rs201694270, gnomAD 0.03%), and has an allele count higher than expected for a pathogenic variant. This variant has not been reported in the literature in individuals affected with KCNN4-related conditions. ClinVar contains an entry for this variant (Variation ID: 2349860). Invitae Evidence Modeling of protein sequence and biophysical properties (such as structural, functional, and spatial information, amino acid conservation, physicochemical variation, residue mobility, and thermodynamic stability) indicates that this missense variant is not expected to disrupt KCNN4 protein function with a negative predictive value of 80%. In summary, the available evidence is currently insufficient to determine the role of this variant in disease. Therefore, it has been classified as a Variant of Uncertain Significance.

Mayo Clinic Laboratories, Mayo Clinic
Classification: Uncertain significance. Last evaluated: 2025-10-28. Review status: criteria provided, single submitter. Criteria: ACMG Guidelines, 2015. Collection method: clinical testing. Allele origin: germline. Observed: 2 variant alleles.

Ambry Genetics
Classification: Uncertain significance for Inborn genetic diseases. Last evaluated: 2025-08-01. Review status: criteria provided, single submitter. Criteria: Ambry Variant Classification Scheme 2023. Collection method: clinical testing. Allele origin: germline.

NM_002250.3(KCNN4):c.233C>T (p.Ala78Val)

Gene: KCNN4 (potassium calcium-activated channel subfamily N member 4; minus strand). Cytogenetic location: 19q13.31.
Variant type: single nucleotide variant.
Coding change: c.233C>T on transcript NM_002250.3 (MANE Select); coding-DNA position 233, C replaced by T.
Protein change: p.Ala78Val; replaces alanine 78 with valine.
Molecular consequence: missense variant.
Genome position (GRCh38, 1-based): chr19:43,776,563, G>A on the plus strand (C>T on the coding strand, the complement: KCNN4 is on the minus strand). VCF-style: chr19-43776563-G-A. GRCh37 (hg19) VCF-style: chr19-44280715-G-A.
Other names: p.Ala78Val; short protein forms A78V.
Identifiers: ClinVar variation 2349860 (VCV002349860.6), dbSNP rs201694270, ClinGen allele CA9492055.